The following is an entry in ClinVar:

NM_001287491.2(TET3):c.2585G>A (p.Arg862Gln)

Gene: TET3 (tet methylcytosine dioxygenase 3; plus strand). Cytogenetic location: 2p13.1.
Variant type: single nucleotide variant.
Coding change: c.2585G>A on transcript NM_001287491.2 (MANE Select); coding-DNA position 2585, G replaced by A.
Protein change: p.Arg862Gln; replaces arginine 862 with glutamine.
Molecular consequence: missense variant.
Genome position (GRCh38, 1-based): chr2:74,073,639, G>A. VCF-style: chr2-74073639-G-A. GRCh37 (hg19) VCF-style: chr2-74300766-G-A.
Other names: c.2306G>A, p.Arg769Gln (NM_001366022.1); short protein forms R769Q, R862Q.
Identifiers: ClinVar variation 3906692 (VCV003906692.3).
Genomic context (GRCh38, chr2:74,073,639, plus strand): 5'-ATTATACTCACTTGGGATCTGGCCCCACGGTCGCCTCTATCCGGGAACTCATGGAGGAGC[G>A]GTGAGTGATACACAGATGTCCAAGGAGAAATGGATGTGCTGTTAATGGAATACGGATATT-3'
Protein context (NP_001274420.1, residues 852-872): VASIRELMEE[Arg862Gln]YGEKGKAIRI

ClinVar aggregate classification (germline): Conflicting classifications of pathogenicity. Review status: criteria provided, conflicting classifications (1 of 4 stars). 2 submissions from 2 submitters: Likely pathogenic (1); Uncertain significance (1). Last evaluated 2026-08-27.

Conditions:
Beck-Fahrner syndrome (BEFAHRS). Identifiers: Orphanet 684216, MedGen C5394097, MONDO:0032922, OMIM 618798.

Submissions (2):

GeneDx
Classification: Likely pathogenic. Last evaluated: 2026-08-27. Review status: criteria provided, single submitter. Criteria: GeneDx Variant Classification Process June 2021. Collection method: clinical testing. Allele origin: germline.
Comment: Alters the last nucleotide of the exon and is predicted to destroy the splice donor site and result in aberrant splicing, although in the absence of functional evidence the actual effect of this sequence change is unknown; Not observed at significant frequency in large population cohorts (gnomAD); Has not been previously published as pathogenic or benign to our knowledge

Clinical Genomics Laboratory, Washington University in St. Louis
Classification: Uncertain significance for Beck-Fahrner syndrome. Last evaluated: 2025-01-07. Review status: criteria provided, single submitter. Criteria: ACMG Guidelines, 2015. Collection method: clinical testing. Allele origin: germline.
Comment: The TET3 c.2585G>A (p.Arg862Gln) variant, to our knowledge, has not been reported in the medical literature. This variant is absent from the general population (gnomAD v.2.1.1), indicating it is not a common variant. Computational predictors indicate this variant may have a deleterious impact on TET3 function, and the variant alters the final nucleotide of an exon, indicating it may change splicing. Due to limited information, and based on ACMG/AMP guidelines for variant interpretation (Richards S et al., PMID: 25741868), the clinical significance of this variant is uncertain at this time.